The following is an entry in ClinVar:

NM_182916.3(TRNT1):c.449G>A (p.Arg150His)

Gene: TRNT1 (tRNA nucleotidyl transferase 1; plus strand). Cytogenetic location: 3p26.2.
Variant type: single nucleotide variant.
Coding change: c.449G>A on transcript NM_182916.3 (MANE Select); coding-DNA position 449, G replaced by A.
Protein change: p.Arg150His; replaces arginine 150 with histidine.
Molecular consequence: missense variant. On other transcripts: non-coding transcript variant (6).
Genome position (GRCh38, 1-based): chr3:3,140,616, G>A. VCF-style: chr3-3140616-G-A. GRCh37 (hg19) VCF-style: chr3-3182300-G-A.
Other names: c.449G>A, p.Arg150His (LRG_1314t1, NM_001302946.2, NM_001367321.1 and 2 more transcripts); short protein forms R150H.
Identifiers: ClinVar variation 493353 (VCV000493353.47), dbSNP rs1012537748, ClinGen allele CA68727862.
Genomic context (GRCh38, chr3:3,140,616, plus strand): 5'-CCACTGATGGAAGACATGCTGAGGTAGAATTTACAACTGACTGGCAGAAAGATGCGGAAC[G>A]CAGAGATCTCACTATAAATTCTATGTTTTTAGGTAATATTTGCAGATAAAACCATATTGT-3'
Protein context (NP_886552.3, residues 140-160): FTTDWQKDAE[Arg150His]RDLTINSMFL

ClinVar aggregate classification (germline): Uncertain significance. Review status: criteria provided, multiple submitters, no conflicts (2 of 4 stars). 4 submissions from 4 submitters: Uncertain significance (4). Last evaluated 2023-10-01.

Conditions:
Retinal dystrophy. Also called: Inherited retinal dystrophy. Identifiers: Orphanet 71862, MedGen C0854723, MeSH D058499, MONDO:0019118, HP:0000556.
Congenital sideroblastic anemia-B-cell immunodeficiency-periodic fever-developmental delay syndrome. Also called: Sideroblastic anemia with B-cell immunodeficiency, periodic fevers, and developmental delay. Identifiers: Orphanet 369861, MedGen C4015172, MONDO:0014487, OMIM 616084.

Allele frequency attached by ClinVar (database versions not stated): gnomAD exomes below 0.00001 and 0.00001; gnomAD 0.00001; TOPMed 0.00001.
gnomAD v4.1: 10 of 1,613,968 alleles (0.00062%); highest among the groups gnomAD compares: South Asian, 0.0022%; no homozygotes.

Submissions (4):

Dept Of Ophthalmology, Nagoya University
Classification: Uncertain significance for Retinal dystrophy. Last evaluated: 2023-10-01. Review status: criteria provided, single submitter. Criteria: Submitter's publication. Collection method: research. Allele origin: germline. Affected: yes.

Blueprint Genetics
Classification: Uncertain significance. Last evaluated: 2022-11-23. Review status: criteria provided, single submitter. Criteria: ACMG Guidelines, 2015. Collection method: clinical testing. Allele origin: germline.

Labcorp Genetics (formerly Invitae), Labcorp
Classification: Uncertain significance for Congenital sideroblastic anemia-B-cell immunodeficiency-periodic fever-developmental delay syndrome. Last evaluated: 2022-08-23. Review status: criteria provided, single submitter. Criteria: Invitae Variant Classification Sherloc (09022015). Collection method: clinical testing. Allele origin: germline.
Comment: This sequence change replaces arginine, which is basic and polar, with histidine, which is basic and polar, at codon 150 of the TRNT1 protein (p.Arg150His). This variant is present in population databases (no rsID available, gnomAD 0.003%). This variant has not been reported in the literature in individuals affected with TRNT1-related conditions. ClinVar contains an entry for this variant (Variation ID: 493353). Algorithms developed to predict the effect of missense changes on protein structure and function (SIFT, PolyPhen-2, Align-GVGD) all suggest that this variant is likely to be disruptive. In summary, the available evidence is currently insufficient to determine the role of this variant in disease. Therefore, it has been classified as a Variant of Uncertain Significance.

CeGaT Center for Human Genetics Tuebingen
Classification: Uncertain significance. Last evaluated: 2017-09-01. Review status: criteria provided, single submitter. Criteria: CeGaT Center For Human Genetics Tuebingen Variant Classification Criteria Version 2. Collection method: clinical testing. Allele origin: germline. Affected: yes. Observed: 1 variant allele.